The following is an entry in ClinVar:

NM_000463.3(UGT1A1):c.1251A>C (p.Glu417Asp)

Genes: UGT1A (UDP glucuronosyltransferase family 1 member A complex locus; plus strand), UGT1A1 (UDP glucuronosyltransferase family 1 member A1; plus strand), UGT1A10 (UDP glucuronosyltransferase family 1 member A10; plus strand), UGT1A3 (UDP glucuronosyltransferase family 1 member A3; plus strand), UGT1A4 (UDP glucuronosyltransferase family 1 member A4; plus strand) and 5 more. Cytogenetic location: 2q37.1.
Variant type: single nucleotide variant.
Coding change: c.1251A>C on transcript NM_000463.3 (MANE Select); coding-DNA position 1251, A replaced by C.
Protein change: p.Glu417Asp; replaces glutamic acid 417 with aspartic acid.
Molecular consequence: missense variant.
Genome position (GRCh38, 1-based): chr2:233,768,386, A>C. VCF-style: chr2-233768386-A-C. GRCh37 (hg19) VCF-style: chr2-234677032-A-C.
Other names: c.1242A>C, p.Glu414Asp (NM_019075.4, NM_019076.5, NM_019077.3 and 1 more transcripts); c.1248A>C, p.Glu416Asp (NM_001072.4); c.447A>C, p.Glu149Asp (NM_205862.3); c.1254A>C, p.Glu418Asp (NM_019078.2, NM_007120.3, NM_019093.4); short protein forms E416D, E414D, E149D, E417D, E418D.
Identifiers: ClinVar variation 4996771 (VCV004996771.1).

ClinVar aggregate classification (germline): Uncertain significance (1 of 4 stars; one submission).

Conditions:
UGT1A1-related disorder. Also called: UGT1A1-related disorders; UGT1A1-related condition.

Submission:

PreventionGenetics, part of Exact Sciences
Classification: Uncertain significance for UGT1A1-related condition. Last evaluated: 2025-03-06. Review status: criteria provided, single submitter. Criteria: ACMG Guidelines, 2015. Collection method: clinical testing. Allele origin: germline.
Comment: The UGT1A1 c.1251A>C variant is predicted to result in the amino acid substitution p.Glu417Asp. To our knowledge, this variant has not been reported in the literature or in a large population database (gnomAD), indicating this variant is rare. At this time, the clinical significance of this variant is uncertain due to the absence of conclusive functional and genetic evidence.